The following is an entry in ClinVar:

ClinVar aggregate classification (germline): Uncertain significance (1 of 4 stars; one submission).

Conditions:
Tetralogy of Fallot (TOF). Identifiers: Orphanet 3303, MedGen C0039685, MONDO:0008542, OMIM 187500, HP:0001636.

Submission:

Centre for Mendelian Genomics, University Medical Centre Ljubljana
Classification: Uncertain significance for Tetralogy of Fallot. Last evaluated: 2016-01-01. Review status: criteria provided, single submitter. Criteria: ACMG Guidelines, 2015. Collection method: clinical testing. Allele origin: unknown. Affected: yes.
Comment: This variant was classified as: Uncertain significance. The following ACMG criteria were applied in classifying this variant: PM2.

NM_012082.4(ZFPM2):c.3269dup (p.Ser1091fs)

Genes: ZFPM2 (zinc finger protein, FOG family member 2; plus strand), ZFPM2-AS1 (ZFPM2 antisense RNA 1; minus strand), LOC126860469 (BRD4-independent group 4 enhancer GRCh37_chr8:106814445-106815644; plus strand). Cytogenetic location: 8q23.1.
Variant type: Duplication.
Coding change: c.3269dup on transcript NM_012082.4 (MANE Select); coding-DNA position 3269, one base duplicated (T; older notation c.3269dupT).
Protein change: p.Ser1091fs; shifts the reading frame from serine 1091.
Molecular consequence: frameshift variant.
Genome position (GRCh38, 1-based): chr8:105,803,351, T duplicated. VCF-style (leftmost placement, unchanged base first): chr8-105803350-G-GT. GRCh37 (hg19) VCF-style: chr8-106815578-G-GT.
Other names: c.3110dup, p.Ser1038fs (NM_001362836.2); c.2873dup, p.Ser959fs (NM_001362837.2); short protein forms S1091fs, S959fs, S1038fs.
Identifiers: ClinVar variation 931432 (VCV000931432.3), dbSNP rs1814103683, ClinGen allele CA1139660706.